The following is an entry in ClinVar:

ClinVar aggregate classification (germline): Uncertain significance (1 of 4 stars; one submission).

Conditions:
Hereditary spastic paraplegia 11. Also called: Spastic Paraplegia 11; SPASTIC PARAPLEGIA, AUTOSOMAL RECESSIVE, COMPLICATED, WITH THIN CORPUS CALLOSUM; SPASTIC PARAPLEGIA, AUTOSOMAL RECESSIVE, WITH MENTAL IMPAIRMENT AND THIN CORPUS CALLOSUM; Spastic paraplegia, mental retardation and thin corpus callosum; Nakamura Osame syndrome; Autosomal recessive hereditary spastic paraplegia, mental impairment, and thin corpus callosum. Identifiers: Orphanet 2822, MedGen C1858479, MONDO:0011445, OMIM 604360.

Submission:

Labcorp Genetics (formerly Invitae), Labcorp
Classification: Uncertain significance for Hereditary spastic paraplegia 11. Last evaluated: 2021-08-30. Review status: criteria provided, single submitter. Criteria: Invitae Variant Classification Sherloc (09022015). Collection method: clinical testing. Allele origin: germline.
Comment: This variant, c.4753_4761del, results in the deletion of 3 amino acid(s) of the SPG11 protein (p.Ala1585_Thr1587del), but otherwise preserves the integrity of the reading frame. This variant is not present in population databases (ExAC no frequency). This variant has not been reported in the literature in individuals affected with SPG11-related conditions. Experimental studies and prediction algorithms are not available or were not evaluated, and the functional significance of this variant is currently unknown. In summary, the available evidence is currently insufficient to determine the role of this variant in disease. Therefore, it has been classified as a Variant of Uncertain Significance.

NM_025137.4(SPG11):c.4753_4761del (p.Ala1585_Thr1587del)

Gene: SPG11 (SPG11 vesicle trafficking associated, spatacsin; minus strand). Cytogenetic location: 15q21.1.
Variant type: Deletion.
Coding change: c.4753_4761del on transcript NM_025137.4 (MANE Select); coding-DNA positions 4753 to 4761, 9 bases deleted (GCAGCCACA; older notation c.4753_4761delGCAGCCACA).
Protein change: p.Ala1585_Thr1587del.
Molecular consequence: inframe deletion.
Genome position (GRCh38, 1-based): chr15:44,589,397-44,589,405, TGTGGCTGC deleted on the plus strand (GCAGCCACA on the coding strand, the reverse complement: SPG11 is on the minus strand); deleting any 9 consecutive bases within chr15:44,589,397-44,589,409 gives the same sequence; the c. name uses the placement nearest the transcript's 3' end. VCF-style (leftmost placement, unchanged base first): chr15-44589396-TTGTGGCTGC-T. GRCh37 (hg19) VCF-style: chr15-44881594-TTGTGGCTGC-T.
Other names: c.4753_4761del, p.Ala1585_Thr1587del (NM_001160227.2).
Identifiers: ClinVar variation 1039196 (VCV001039196.6), dbSNP rs2082846485, ClinGen allele CA2173696854.
Genomic context (GRCh38, chr15:44,589,396, plus strand): 5'-GCTTCAAAAGGAAACACACCTGATCCTCCAGCCACATGGCAGGGATGACAGGGTGGACCT[TTGTGGCTGC>T]TGTGTTAAGCTATGAAAGAAAAAGAGAAGCTTAGGGAAAGCAGTTTCATGAGAATAGCAA-3'